The following is an entry in ClinVar:

NM_004320.6(ATP2A1):c.2536G>A (p.Ala846Thr)

Gene: ATP2A1 (ATPase sarcoplasmic/endoplasmic reticulum Ca2+ transporting 1; plus strand). Cytogenetic location: 16p11.2.
Variant type: single nucleotide variant.
Coding change: c.2536G>A on transcript NM_004320.6 (MANE Select); coding-DNA position 2536, G replaced by A.
Protein change: p.Ala846Thr; replaces alanine 846 with threonine.
Molecular consequence: missense variant.
Genome position (GRCh38, 1-based): chr16:28,902,591, G>A. VCF-style: chr16-28902591-G-A. GRCh37 (hg19) VCF-style: chr16-28913912-G-A.
Other names: p.Ala846Thr; c.2536G>A (NM_173201.4); c.2161G>A, p.Ala721Thr (NM_001286075.2); c.2536G>A, p.Ala846Thr (NM_173201.5); short protein forms A846T, A721T.
Identifiers: ClinVar variation 431853 (VCV000431853.21), dbSNP rs186012808, ClinGen allele CA7987305.
Genomic context (GRCh38, chr16:28,902,591, plus strand): 5'-CCCCCTATCTCCCCAGCCCTGACCCCCGACTCCCCTCTCTCCACCACAGGCTATGTGGGT[G>A]CAGCCACCGTGGGAGCAGCTGCCTGGTGGTTCCTGTACGCTGAGGATGGGCCTCATGTCA-3'
Protein context (NP_004311.1, residues 836-856): RYMAIGGYVG[Ala846Thr]ATVGAAAWWF

ClinVar aggregate classification (germline): Conflicting classifications of pathogenicity. Review status: criteria provided, conflicting classifications (1 of 4 stars). 6 submissions from 6 submitters: Uncertain significance (1); Benign (3); Likely benign (2). Last evaluated 2026-01-11.

Conditions:
Brody myopathy. Also called: BRODY DISEASE. Identifiers: Orphanet 53347, MedGen C1832918, MONDO:0010977, OMIM 601003.

Allele frequency attached by ClinVar (database versions not stated): 1000 Genomes Project 30x 0.00031; gnomAD exomes 0.00037 and 0.00073; 1000 Genomes Project 0.00040; ExAC 0.00049; gnomAD 0.00050 and 0.00051; TOPMed 0.00057; ESP Exome Variant Server 0.00069.
gnomAD v4.1: 666 of 1,614,072 alleles (0.041%); highest among the groups gnomAD compares: African/African-American, 0.083%; 3 homozygotes.

Submissions (6):

Labcorp Genetics (formerly Invitae), Labcorp
Classification: Benign for Brody myopathy. Last evaluated: 2026-01-11. Review status: criteria provided, single submitter. Criteria: Invitae Variant Classification Sherloc (09022015). Collection method: clinical testing. Allele origin: germline.

Mayo Clinic Laboratories, Mayo Clinic
Classification: Benign. Last evaluated: 2025-05-16. Review status: criteria provided, single submitter. Criteria: ACMG Guidelines, 2015. Collection method: clinical testing. Allele origin: germline. Observed: 1 variant allele.
Comment: BS1, BS2

Blueprint Genetics
Classification: Likely benign. Last evaluated: 2024-10-14. Review status: criteria provided, single submitter. Criteria: ACMG Guidelines, 2015. Collection method: clinical testing. Allele origin: germline.

GeneDx
Classification: Likely benign. Last evaluated: 2019-11-15. Review status: criteria provided, single submitter. Criteria: GeneDx Variant Classification Process June 2021. Collection method: clinical testing. Allele origin: germline. Affected: yes.

Illumina Laboratory Services, Illumina
Classification: Uncertain significance for Brody myopathy. Last evaluated: 2018-01-13. Review status: criteria provided, single submitter. Criteria: ICSL Variant Classification Criteria 13 December 2019. Collection method: clinical testing. Allele origin: germline.

Athena Diagnostics
Classification: Benign. Last evaluated: 2017-12-04. Review status: criteria provided, single submitter. Criteria: Athena Diagnostics Criteria. Collection method: clinical testing. Allele origin: germline.